The following is an entry in ClinVar:

ClinVar aggregate classification (germline): Uncertain significance (1 of 4 stars; one submission).

Submission:

Ambry Genetics
Classification: Uncertain significance. Last evaluated: 2024-03-04. Review status: criteria provided, single submitter. Criteria: Ambry Variant Classification Scheme 2023. Collection method: clinical testing. Allele origin: germline.
Comment: The p.K367T variant (also known as c.1100A>C), located in coding exon 6 of the GALNT12 gene, results from an A to C substitution at nucleotide position 1100. The lysine at codon 367 is replaced by threonine, an amino acid with similar properties. This amino acid position is conserved. In addition, this alteration is predicted to be tolerated by in silico analysis. Based on the available evidence, the clinical significance of this alteration remains unclear.

NM_024642.5(GALNT12):c.1100A>C (p.Lys367Thr)

Gene: GALNT12 (polypeptide N-acetylgalactosaminyltransferase 12; plus strand). Cytogenetic location: 9q22.33.
Variant type: single nucleotide variant.
Coding change: c.1100A>C on transcript NM_024642.5 (MANE Select); coding-DNA position 1100, A replaced by C.
Protein change: p.Lys367Thr; replaces lysine 367 with threonine.
Molecular consequence: missense variant.
Genome position (GRCh38, 1-based): chr9:98,837,036, A>C. VCF-style: chr9-98837036-A-C. GRCh37 (hg19) VCF-style: chr9-101599318-A-C.
Other names: short protein forms K367T.
Identifiers: ClinVar variation 3227898 (VCV003227898.1), dbSNP rs149416915, ClinGen allele CA374219792.
Genomic context (GRCh38, chr9:98,837,036, plus strand): 5'-GGCAGTGTGGTGGGGTTCTGGAAACACACCCATGTTCCCATGTTGGCCATGTTTTCCCCA[A>C]GCAAGCTCCCTACTCCCGCAACAAGGCTCTGGCCAACAGTGTTCGTGCAGCTGAAGTATG-3'
Protein context (NP_078918.3, residues 357-377): PCSHVGHVFP[Lys367Thr]QAPYSRNKAL